The following is an entry in ClinVar:

ClinVar aggregate classification (germline): Pathogenic. Review status: criteria provided, multiple submitters, no conflicts (2 of 4 stars). 2 submissions from 2 submitters: Pathogenic (2). Last evaluated 2022-05-19.

Conditions:
DYRK1A-related intellectual disability syndrome (MRD7). Also called: Intellectual developmental disorder, autosomal dominant 7; DYRK1A Syndrome. Identifiers: Orphanet 464306, MedGen C5568143, MONDO:0013578, OMIM 614104.

Submissions (2):

MGZ Medical Genetics Center
Classification: Pathogenic for DYRK1A-related intellectual disability syndrome. Last evaluated: 2022-05-19. Review status: criteria provided, single submitter. Criteria: ACMG Guidelines, 2015. Collection method: clinical testing. Allele origin: germline. Affected: yes. Observed: 1 variant allele.
Comment: ACMG criteria applied: PVS1, PS1, PS2_MOD, PS4_SUP, PM2_SUP

GeneDx
Classification: Pathogenic. Last evaluated: 2017-10-02. Review status: criteria provided, single submitter. Criteria: GeneDx Variant Classification (06012015). Collection method: clinical testing. Allele origin: germline. Affected: yes.
Comment: The c.312 C>A variant in the DYRK1A gene has not been reported previously as a pathogenic variant nor as a benign variant, to our knowledge. However, a different nucleotide change (c.312C>G) resulting in the same amino acid change has been reported as de novo in a child with congenital microcephaly, developmental delay, intellectual disability, short stature, distinct facial features, abnormal brain MRI, skeletal anomalies, strabismus, and feeding difficulties (Ji et al., 2015). The Y104X variant is predicted to cause loss of normal protein function either through protein truncation or nonsense-mediated mRNA decay. The Y104X variant is not observed in large population cohorts (Lek et al., 2016). We interpret Y104X as a pathogenic variant.

NM_001347721.2(DYRK1A):c.285C>A (p.Tyr95Ter)

Gene: DYRK1A (dual specificity tyrosine phosphorylation regulated kinase 1A; plus strand). Cytogenetic location: 21q22.13.
Variant type: single nucleotide variant.
Coding change: c.285C>A on transcript NM_001347721.2 (MANE Select); coding-DNA position 285, C replaced by A.
Protein change: p.Tyr95Ter; replaces tyrosine 95 with a stop codon.
Molecular consequence: nonsense.
Genome position (GRCh38, 1-based): chr21:37,478,285, C>A. VCF-style: chr21-37478285-C-A. GRCh37 (hg19) VCF-style: chr21-38850587-C-A.
Other names: c.285C>A, p.Tyr95Ter (NM_001347722.2, NM_130436.2); c.198C>A, p.Tyr66Ter (NM_001347723.2); c.312C>A, p.Tyr104Ter (NM_001396.5, NM_101395.2, NM_130438.2); short protein forms Y104*, Y66*, Y95*.
Identifiers: ClinVar variation 452476 (VCV000452476.4), dbSNP rs797044519, ClinGen allele CA409943644.
Genomic context (GRCh38, chr21:37,478,285, plus strand): 5'-CTTCCGTGACCCAGCAACTGCTCCCCTGAGAAAACTTTCTGTTGACTTGATCAAAACATA[C>A]AAGCATATTAATGAGGTAAGACTTGATTTGTTATAATAACATCTATCTTGCAGTATGTCA-3'